The following is an entry in ClinVar:

ClinVar aggregate classification (germline): Pathogenic (1 of 4 stars; one submission).

Submission:

Labcorp Genetics (formerly Invitae), Labcorp
Classification: Pathogenic. Last evaluated: 2025-12-10. Review status: criteria provided, single submitter. Criteria: Invitae Variant Classification Sherloc (09022015). Collection method: clinical testing. Allele origin: germline.
Comment: This sequence change creates a premature translational stop signal (p.Arg263Lysfs*13) in the COCH gene. It is expected to result in an absent or disrupted protein product. Loss-of-function variants in COCH are known to be pathogenic (PMID: 29449721, 31126177). This variant is not present in population databases (gnomAD no frequency). This variant has not been reported in the literature in individuals affected with COCH-related conditions. For these reasons, this variant has been classified as Pathogenic.

Literature cited by the submitters: PubMed 29449721; PubMed 31126177.

NM_004086.3(COCH):c.787dup (p.Arg263fs)

Genes: COCH (cochlin; plus strand), COCH-AS1 (COCH antisense RNA 1; minus strand). Cytogenetic location: 14q12.
Variant type: Duplication.
Coding change: c.787dup on transcript NM_004086.3 (MANE Select); coding-DNA position 787, one base duplicated (A; older notation c.787dupA).
Protein change: p.Arg263fs; shifts the reading frame from arginine 263.
Molecular consequence: frameshift variant. On other transcripts: non-coding transcript variant (1).
Genome position (GRCh38, 1-based): chr14:30,885,447, A duplicated; the last of 2 consecutive A bases (chr14:30,885,446-30,885,447); duplicating either gives the same sequence. VCF-style (leftmost placement, unchanged base first): chr14-30885445-T-TA. GRCh37 (hg19) VCF-style: chr14-31354651-T-TA.
Other names: c.787dup, p.Arg263fs (NM_001135058.2); c.982dup, p.Arg328fs (NM_001347720.2); short protein forms R328fs, R263fs.
Identifiers: ClinVar variation 4740428 (VCV004740428.1).